The following is an entry in ClinVar:

NM_020765.3(UBR4):c.5510G>A (p.Arg1837His)

Gene: UBR4 (ubiquitin protein ligase E3 component n-recognin 4; minus strand). Cytogenetic location: 1p36.13.
Variant type: single nucleotide variant.
Coding change: c.5510G>A on transcript NM_020765.3 (MANE Select); coding-DNA position 5510, G replaced by A.
Protein change: p.Arg1837His; replaces arginine 1837 with histidine.
Molecular consequence: missense variant.
Genome position (GRCh38, 1-based): chr1:19,160,178, C>T on the plus strand (G>A on the coding strand, the complement: UBR4 is on the minus strand). VCF-style: chr1-19160178-C-T. GRCh37 (hg19) VCF-style: chr1-19486672-C-T.
Other names: short protein forms R1837H.
Identifiers: ClinVar variation 2630058 (VCV002630058.2), dbSNP rs568827299, ClinGen allele CA650532.

ClinVar aggregate classification (germline): Uncertain significance (1 of 4 stars; one submission).

Conditions:
UBR4-related disorder. Also called: UBR4-related condition.

Allele frequency attached by ClinVar (database versions not stated): ExAC 0.00001; gnomAD 0.00001; TOPMed 0.00002; 1000 Genomes Project 30x 0.00016; 1000 Genomes Project 0.00020.
gnomAD v4.1: 8 of 1,614,014 alleles (0.0005%); highest among the groups gnomAD compares: African/African-American, 0.0027%; no homozygotes.

Submission:

PreventionGenetics, part of Exact Sciences
Classification: Uncertain significance for UBR4-related condition. Last evaluated: 2026-07-21. Review status: criteria provided, single submitter. Criteria: ACMG Guidelines, 2015. Collection method: clinical testing. Allele origin: germline.
Comment: The UBR4 c.5510G>A variant is predicted to result in the amino acid substitution p.Arg1837His. To our knowledge, this variant has not been reported in the literature. This variant is reported in 0.0080% of alleles in individuals of African descent in gnomAD. At this time, the clinical significance of this variant is uncertain due to the absence of conclusive functional and genetic evidence.